The following is an entry in ClinVar:

ClinVar aggregate classification (germline): Likely benign. Review status: criteria provided, multiple submitters, no conflicts (2 of 4 stars). 3 submissions from 3 submitters: Likely benign (3). Last evaluated 2025-11-10.

Allele frequency attached by ClinVar (database versions not stated): ExAC 0.00001; gnomAD 0.00001; gnomAD exomes 0.00001.
gnomAD v4.1: 19 of 1,614,012 alleles (0.0012%); highest among the groups gnomAD compares: Non-Finnish European, 0.0016%; no homozygotes.

Submissions (3):

Labcorp Genetics (formerly Invitae), Labcorp
Classification: Likely benign. Last evaluated: 2025-11-10. Review status: criteria provided, single submitter. Criteria: Invitae Variant Classification Sherloc (09022015). Collection method: clinical testing. Allele origin: germline.

Blueprint Genetics
Classification: Likely benign. Last evaluated: 2024-10-03. Review status: criteria provided, single submitter. Criteria: ACMG Guidelines, 2015. Collection method: clinical testing. Allele origin: germline.

CeGaT Center for Human Genetics Tuebingen
Classification: Likely benign. Last evaluated: 2022-07-01. Review status: criteria provided, single submitter. Criteria: CeGaT Center For Human Genetics Tuebingen Variant Classification Criteria Version 2. Collection method: clinical testing. Allele origin: germline. Affected: yes. Observed: 1 variant allele.
Comment: CTNNB1: BP4

NM_001904.4(CTNNB1):c.1803+8T>C

Gene: CTNNB1 (catenin beta 1; plus strand). Cytogenetic location: 3p22.1.
Variant type: single nucleotide variant.
Coding change: c.1803+8T>C on transcript NM_001904.4 (MANE Select); 8 bases into the intron after coding-DNA position 1803, T replaced by C.
Molecular consequence: intron variant.
Genome position (GRCh38, 1-based): chr3:41,235,851, T>C. VCF-style: chr3-41235851-T-C. GRCh37 (hg19) VCF-style: chr3-41277342-T-C.
Other names: c.1782+8T>C (NM_001330729.2); c.1803+8T>C (NM_001098209.2, NM_001098210.2).
Identifiers: ClinVar variation 1552825 (VCV001552825.32), dbSNP rs781002636, ClinGen allele CA2331170.